The following is an entry in ClinVar:

ClinVar aggregate classification (germline): Conflicting classifications of pathogenicity. Review status: criteria provided, conflicting classifications (1 of 4 stars). 2 submissions from 2 submitters: Pathogenic (1); Uncertain significance (1). Last evaluated 2024-01-19.

Submissions (2):

Labcorp Genetics (formerly Invitae), Labcorp
Classification: Pathogenic. Last evaluated: 2024-01-19. Review status: criteria provided, single submitter. Criteria: Invitae Variant Classification Sherloc (09022015). Collection method: clinical testing. Allele origin: germline.
Comment: This sequence change creates a premature translational stop signal (p.Pro247Leufs*8) in the RINT1 gene. It is expected to result in an absent or disrupted protein product. Loss-of-function variants in RINT1 are known to be pathogenic (PMID: 31204009). This variant is present in population databases (no rsID available, gnomAD 0.0009%). This variant has not been reported in the literature in individuals affected with RINT1-related conditions. ClinVar contains an entry for this variant (Variation ID: 963516). For these reasons, this variant has been classified as Pathogenic.

Ambry Genetics
Classification: Uncertain significance. Last evaluated: 2022-06-01. Review status: criteria provided, single submitter. Criteria: Ambry Variant Classification Scheme 2023. Collection method: clinical testing. Allele origin: germline.
Comment: The c.740delC variant, located in coding exon 6 of the RINT1 gene, results from a deletion of one nucleotide at nucleotide position 740, causing a translational frameshift with a predicted alternate stop codon (p.P247Lfs*8). This alteration is expected to result in loss of function by premature protein truncation or nonsense-mediated mRNA decay. The evidence for this gene-disease relationship is limited; therefore, the clinical significance of this alteration is unclear.

Literature cited by the submitters: PubMed 31204009 (cited by Labcorp Genetics (formerly Invitae), Labcorp).

NM_021930.6(RINT1):c.740del (p.Pro247fs)

Gene: RINT1 (RAD50 interactor 1; plus strand). Cytogenetic location: 7q22.3.
Variant type: Deletion.
Coding change: c.740del on transcript NM_021930.6 (MANE Select); coding-DNA position 740, one base deleted (C; older notation c.740delC).
Protein change: p.Pro247fs; shifts the reading frame from proline 247.
Molecular consequence: frameshift variant. On other transcripts: 5 prime UTR variant (2), non-coding transcript variant (1), intron variant (1).
Genome position (GRCh38, 1-based): chr7:105,547,234, C deleted; the last of 5 consecutive C bases (chr7:105,547,230-105,547,234); deleting any one gives the same sequence. VCF-style (leftmost placement, unchanged base first): chr7-105547229-AC-A. GRCh37 (hg19) VCF-style: chr7-105187676-AC-A.
Other names: c.506del, p.Pro169fs (NM_001346599.2); c.-280del (NM_001346600.2); c.-183del (NM_001346601.2); c.-27-2821del (NM_001346603.2); c.740delC (NM_021930.4); short protein forms P169fs, P247fs.
Identifiers: ClinVar variation 963516 (VCV000963516.10), dbSNP rs1352349454, ClinGen allele CA457202090.